The following is an entry in ClinVar:

NM_001385.3(DPYS):c.1351G>A (p.Gly451Arg)

Gene: DPYS (dihydropyrimidinase; minus strand). Cytogenetic location: 8q22.3.
Variant type: single nucleotide variant.
Coding change: c.1351G>A on transcript NM_001385.3 (MANE Select); coding-DNA position 1351, G replaced by A.
Protein change: p.Gly451Arg; replaces glycine 451 with arginine.
Molecular consequence: missense variant.
Genome position (GRCh38, 1-based): chr8:104,392,876, C>T on the plus strand (G>A on the coding strand, the complement: DPYS is on the minus strand). VCF-style: chr8-104392876-C-T. GRCh37 (hg19) VCF-style: chr8-105405104-C-T.
Other names: c.1351G>A (NM_001385.2); short protein forms G451R.
Identifiers: ClinVar variation 1426352 (VCV001426352.7), dbSNP rs377661574, ClinGen allele CA4838300.
Genomic context (GRCh38, chr8:104,392,876, plus strand): 5'-ATTCAGCAAATGGTTTTCGAGGAATAAACTTCCCATCTCCTGCCGTGACACTGAACACTC[C>T]GGCTTCATATACCACTTTGCCTCTTGAAATAGTCACAAGGGGCACCCCGTGGCAAACCAT-3'
Protein context (NP_001376.1, residues 441-461): ISRGKVVYEA[Gly451Arg]VFSVTAGDGK

ClinVar aggregate classification (germline): Uncertain significance. Review status: criteria provided, multiple submitters, no conflicts (2 of 4 stars). 2 submissions from 2 submitters: Uncertain significance (2). Last evaluated 2023-02-15.

Conditions:
Inborn genetic diseases. Identifiers: MedGen C0950123, MeSH D030342.

Allele frequency attached by ClinVar (database versions not stated): gnomAD exomes 0.00006 and 0.00007; TOPMed 0.00007; ExAC 0.00008; gnomAD 0.00008; ESP Exome Variant Server 0.00015.
gnomAD v4.1: 112 of 1,614,046 alleles (0.0069%); highest among the groups gnomAD compares: South Asian, 0.011%; no homozygotes.

Submissions (2):

Ambry Genetics
Classification: Uncertain significance for Inborn genetic diseases. Last evaluated: 2023-02-15. Review status: criteria provided, single submitter. Criteria: Ambry Variant Classification Scheme 2023. Collection method: clinical testing. Allele origin: germline.

Labcorp Genetics (formerly Invitae), Labcorp
Classification: Uncertain significance. Last evaluated: 2021-12-02. Review status: criteria provided, single submitter. Criteria: Invitae Variant Classification Sherloc (09022015). Collection method: clinical testing. Allele origin: germline.
Comment: In summary, the available evidence is currently insufficient to determine the role of this variant in disease. Therefore, it has been classified as a Variant of Uncertain Significance. Algorithms developed to predict the effect of missense changes on protein structure and function (SIFT, PolyPhen-2, Align-GVGD) all suggest that this variant is likely to be disruptive. This variant has not been reported in the literature in individuals affected with DPYS-related conditions. This variant is present in population databases (rs377661574, gnomAD 0.01%). This sequence change replaces glycine, which is neutral and non-polar, with arginine, which is basic and polar, at codon 451 of the DPYS protein (p.Gly451Arg).